The following is an entry in ClinVar:

ClinVar aggregate classification (germline): Likely pathogenic (1 of 4 stars; one submission).

Conditions:
NF1-related disorder. Also called: NF1-related condition. Identifiers: MedGen CN379171.

Submission:

Greenwood Genetic Center Diagnostic Laboratories, Greenwood Genetic Center
Classification: Likely pathogenic for NF1-related disorder. Last evaluated: 2025-02-11. Review status: criteria provided, single submitter. Criteria: ACMG Guidelines, 2015. Collection method: clinical testing. Allele origin: germline. Affected: yes.
Comment: PVS1, PM2

NM_001042492.3(NF1):c.6884del (p.Val2295fs)

Gene: NF1 (neurofibromin 1; plus strand). Cytogenetic location: 17q11.2.
Variant type: Deletion.
Coding change: c.6884del on transcript NM_001042492.3 (MANE Select); coding-DNA position 6884, one base deleted (T; older notation c.6884delT).
Protein change: p.Val2295fs; shifts the reading frame from valine 2295.
Molecular consequence: frameshift variant.
Genome position (GRCh38, 1-based): chr17:31,338,768, T deleted. VCF-style (leftmost placement, unchanged base first): chr17-31338767-GT-G. GRCh37 (hg19) VCF-style: chr17-29665785-GT-G.
Other names: c.6821delT, p.Val2274Glufs (NM_000267.3); c.6821del, p.Val2274fs (NM_000267.4); short protein forms V2274fs, V2295fs.
Identifiers: ClinVar variation 4851674 (VCV004851674.1).